The following is an entry in ClinVar:

NM_001042492.3(NF1):c.4236A>C (p.Arg1412Ser)

Gene: NF1 (neurofibromin 1; plus strand). Cytogenetic location: 17q11.2.
Variant type: single nucleotide variant.
Coding change: c.4236A>C on transcript NM_001042492.3 (MANE Select); coding-DNA position 4236, A replaced by C.
Protein change: p.Arg1412Ser; replaces arginine 1412 with serine.
Molecular consequence: missense variant.
Genome position (GRCh38, 1-based): chr17:31,258,406, A>C. VCF-style: chr17-31258406-A-C. GRCh37 (hg19) VCF-style: chr17-29585424-A-C.
Other names: c.4173A>C, p.Arg1391Ser (NM_000267.4); short protein forms R1391S, R1412S.
Identifiers: ClinVar variation 639692 (VCV000639692.5), dbSNP rs137854554, ClinGen allele CA398997843.

ClinVar aggregate classification (germline): Pathogenic (1 of 4 stars; one submission).

Conditions:
Neurofibromatosis, type 1 (NF1). Also called: NEUROFIBROMATOSIS, TYPE I, SOMATIC; VON RECKLINGHAUSEN DISEASE; Peripheral type neurofibromatosis; Neurofibromatosis, type I. Identifiers: Orphanet 636, MedGen C0027831, MONDO:0018975, OMIM 162200. Disease mechanism: loss of function.

Submission:

Labcorp Genetics (formerly Invitae), Labcorp
Classification: Pathogenic for Neurofibromatosis, type 1. Last evaluated: 2025-04-01. Review status: criteria provided, single submitter. Criteria: Invitae Variant Classification Sherloc (09022015). Collection method: clinical testing. Allele origin: germline.
Comment: This sequence change replaces arginine, which is basic and polar, with serine, which is neutral and polar, at codon 1391 of the NF1 protein (p.Arg1391Ser). This variant is not present in population databases (gnomAD no frequency). This missense change has been observed in individual(s) with neurofibromatosis type 1 (PMID: 27322474). ClinVar contains an entry for this variant (Variation ID: 639692). Invitae Evidence Modeling of protein sequence and biophysical properties (such as structural, functional, and spatial information, amino acid conservation, physicochemical variation, residue mobility, and thermodynamic stability) indicates that this missense variant is expected to disrupt NF1 protein function with a positive predictive value of 95%. Experimental studies have shown that this missense change affects NF1 function (PMID: 9003501, 16513807, 17581973, 22807134). This variant disrupts the p.Arg1391 amino acid residue in NF1. Other variant(s) that disrupt this residue have been determined to be pathogenic (PMID: 24789688, 27322474). This suggests that this residue is clinically significant, and that variants that disrupt this residue are likely to be disease-causing. For these reasons, this variant has been classified as Pathogenic.

Literature cited by the submitters: PubMed 27322474; PubMed 9003501; PubMed 16513807; PubMed 17581973; PubMed 22807134; PubMed 24789688.